The following is an entry in ClinVar:

ClinVar aggregate classification (germline): Benign (1 of 4 stars; one submission).

Conditions:
Landau-Kleffner syndrome (FESD). Also called: EPILEPSY, FOCAL, WITH SPEECH DISORDER AND WITH OR WITHOUT MENTAL RETARDATION; APHASIA, ACQUIRED, WITH EPILEPSY. Identifiers: Orphanet 1945, Orphanet 725, Orphanet 98818, MedGen C0282512, MONDO:0009509, OMIM 245570.

Allele frequency attached by ClinVar (database versions not stated): gnomAD exomes 0.00050; TOPMed 0.00054; gnomAD 0.00056 and 0.00054; 1000 Genomes Project 0.00040; 1000 Genomes Project 30x 0.00047.
gnomAD v4.1: 119 of 231,040 alleles (0.052%); highest among the groups gnomAD compares: Non-Finnish European, 0.088%; no homozygotes.

Submission:

Illumina Laboratory Services, Illumina
Classification: Benign for Landau-Kleffner syndrome. Last evaluated: 2018-01-13. Review status: criteria provided, single submitter. Criteria: ICSL Variant Classification Criteria 13 December 2019. Collection method: clinical testing. Allele origin: germline.
Comment: This variant was observed in the ICSL laboratory as part of a predisposition screen in an ostensibly healthy population. It had not been previously curated by ICSL or reported in the Human Gene Mutation Database (HGMD: prior to June 1st, 2018), and was therefore a candidate for classification through an automated scoring system. Utilizing variant allele frequency, disease prevalence and penetrance estimates, and inheritance mode, an automated score was calculated to assess if this variant is too frequent to cause the disease. Based on the score and internal cut-off values, a variant classified as benign is not then subjected to further curation. The score for this variant resulted in a classification of benign for this disease.

NM_001134407.3(GRIN2A):c.*3220C>T

Gene: GRIN2A (glutamate ionotropic receptor NMDA type subunit 2A; minus strand). Cytogenetic location: 16p13.2.
Variant type: single nucleotide variant.
Coding change: c.*3220C>T on transcript NM_001134407.3 (MANE Select); 3220 bases downstream of the stop codon, C replaced by T.
Molecular consequence: 3 prime UTR variant.
Genome position (GRCh38, 1-based): chr16:9,759,929, G>A on the plus strand (C>T on the coding strand, the complement: GRIN2A is on the minus strand). VCF-style: chr16-9759929-G-A. GRCh37 (hg19) VCF-style: chr16-9853786-G-A.
Other names: c.*3220C>T (NM_000833.5); c.*3426C>T (NM_001134408.2).
Identifiers: ClinVar variation 321554 (VCV000321554.5), dbSNP rs192984749, ClinGen allele CA10644760.